The following is an entry in ClinVar:

NM_003924.4(PHOX2B):c.688G>T (p.Gly230Trp)

Gene: PHOX2B (paired like homeobox 2B; minus strand). Cytogenetic location: 4p13.
Variant type: single nucleotide variant.
Coding change: c.688G>T on transcript NM_003924.4 (MANE Select); coding-DNA position 688, G replaced by T.
Protein change: p.Gly230Trp; replaces glycine 230 with tryptophan.
Molecular consequence: missense variant.
Genome position (GRCh38, 1-based): chr4:41,746,064, C>A on the plus strand (G>T on the coding strand, the complement: PHOX2B is on the minus strand). VCF-style: chr4-41746064-C-A. GRCh37 (hg19) VCF-style: chr4-41748081-C-A.
Other names: short protein forms G230W.
Identifiers: ClinVar variation 5026621 (VCV005026621.1).
Genomic context (GRCh38, chr4:41,746,064, plus strand): 5'-CTGCCGCGGCCGCCGCCGCTGCTGCTGCGCCGCCCTTGCCGGGTTCGCCTCCCGGGCCCC[C>A]GGGCCCCGCCGCCCCCGGAGCTCCAGCCGGGCTGGGCCCGCCGCCGCCGCCTCCATTCGC-3'
Protein context (NP_003915.2, residues 220-240): PAGAPGAAGP[Gly230Trp]GPGGEPGKGG

ClinVar aggregate classification (germline): Uncertain significance (1 of 4 stars; one submission).

Conditions:
Hereditary cancer-predisposing syndrome. Also called: Neoplastic Syndromes, Hereditary; Tumor predisposition; Hereditary neoplastic syndrome; Hereditary Cancer Syndrome. Identifiers: Orphanet 140162, MedGen C0027672, MeSH D009386, MONDO:0015356.

Submission:

Ambry Genetics
Classification: Uncertain significance for Hereditary cancer-predisposing syndrome. Last evaluated: 2026-07-07. Review status: criteria provided, single submitter. Criteria: Ambry Variant Classification Scheme 2023. Collection method: clinical testing. Allele origin: germline.
Comment: The p.G230W variant (also known as c.688G>T), located in coding exon 3 of the PHOX2B gene, results from a G to T substitution at nucleotide position 688. The glycine at codon 230 is replaced by tryptophan, an amino acid with highly dissimilar properties. This amino acid position is conserved. In addition, the in silico prediction for this alteration is inconclusive. Based on the available evidence, the clinical significance of this variant remains unclear.